The following is an entry in ClinVar:

ClinVar aggregate classification (germline): Likely pathogenic (1 of 4 stars; one submission).

Conditions:
COG7 congenital disorder of glycosylation (CDG2E). Also called: CDG IIe; CONGENITAL DISORDER OF GLYCOSYLATION, TYPE IIe. Identifiers: Orphanet 79333, MedGen C2931010, MONDO:0012118, OMIM 608779.

Submission:

Labcorp Genetics (formerly Invitae), Labcorp
Classification: Likely pathogenic for COG7 congenital disorder of glycosylation. Last evaluated: 2025-11-22. Review status: criteria provided, single submitter. Criteria: Invitae Variant Classification Sherloc (09022015). Collection method: clinical testing. Allele origin: germline.
Comment: This sequence change affects a donor splice site in intron 7 of the COG7 gene. It is expected to disrupt RNA splicing. Variants that disrupt the donor or acceptor splice site typically lead to a loss of protein function (PMID: 16199547), and loss-of-function variants in COG7 are known to be pathogenic (PMID: 21811164). This variant is not present in population databases (gnomAD no frequency). This variant has not been reported in the literature in individuals affected with COG7-related conditions. Algorithms developed to predict the effect of sequence changes on RNA splicing suggest that this variant may disrupt the consensus splice site. In summary, the currently available evidence indicates that the variant is pathogenic, but additional data are needed to prove that conclusively. Therefore, this variant has been classified as Likely Pathogenic.

Literature cited by the submitters: PubMed 16199547; PubMed 21811164.

NM_153603.4(COG7):c.1009+1G>A

Gene: COG7 (component of oligomeric golgi complex 7; minus strand). Cytogenetic location: 16p12.2.
Variant type: single nucleotide variant.
Coding change: c.1009+1G>A on transcript NM_153603.4 (MANE Select); the canonical splice donor site of the intron after coding-DNA position 1009, G replaced by A.
Molecular consequence: splice donor variant.
Genome position (GRCh38, 1-based): chr16:23,424,748, C>T on the plus strand (G>A on the coding strand, the complement: COG7 is on the minus strand). VCF-style: chr16-23424748-C-T. GRCh37 (hg19) VCF-style: chr16-23436069-C-T.
Identifiers: ClinVar variation 4692143 (VCV004692143.1).